The following is an entry in ClinVar:

NM_001999.4(FBN2):c.1333A>G (p.Ser445Gly)

Gene: FBN2 (fibrillin 2; minus strand). Cytogenetic location: 5q23.3.
Variant type: single nucleotide variant.
Coding change: c.1333A>G on transcript NM_001999.4 (MANE Select); coding-DNA position 1333, A replaced by G.
Protein change: p.Ser445Gly; replaces serine 445 with glycine.
Molecular consequence: missense variant.
Genome position (GRCh38, 1-based): chr5:128,393,267, T>C on the plus strand (A>G on the coding strand, the complement: FBN2 is on the minus strand). VCF-style: chr5-128393267-T-C. GRCh37 (hg19) VCF-style: chr5-127728960-T-C.
Other names: short protein forms S445G.
Identifiers: ClinVar variation 458732 (VCV000458732.11), dbSNP rs143515269, ClinGen allele CA3395820.
Genomic context (GRCh38, chr5:128,393,267, plus strand): 5'-TGCCTCCAGGGATGGGGATGAAGCCTGTCCCTCCTGGGCCATAGCCATTGCCATTGCCAC[T>C]TGGGGCAAAGCCATTTCCCCCAGTGCCTCCAGGTCTGGAACCAGCACTCCCTGGAATTCC-3'
Protein context (NP_001990.2, residues 435-455): GGTGGNGFAP[Ser445Gly]GNGNGYGPGG

ClinVar aggregate classification (germline): Conflicting classifications of pathogenicity. Review status: criteria provided, conflicting classifications (1 of 4 stars). 3 submissions from 3 submitters: Uncertain significance (1); Likely benign (2). Last evaluated 2025-12-22.

Conditions:
Congenital contractural arachnodactyly (CCA). Also called: Beals-Hecht syndrome; BEALS SYNDROME; Arthrogryposis, distal, type 9. Identifiers: Orphanet 115, MedGen C0220668, MONDO:0007363, OMIM 121050.
Familial thoracic aortic aneurysm and aortic dissection (TAAD). Also called: Thoracic aortic aneurysms and dissections. Identifiers: Orphanet 91387, MedGen C4707243, MONDO:0019625.

Allele frequency attached by ClinVar (database versions not stated): TOPMed below 0.00001; gnomAD exomes 0.00002; ExAC 0.00003; ESP Exome Variant Server 0.00015.
gnomAD v4.1: 30 of 1,614,134 alleles (0.0019%); highest among the groups gnomAD compares: Middle Eastern, 0.033%; no homozygotes.

Submissions (3):

Labcorp Genetics (formerly Invitae), Labcorp
Classification: Likely benign for Congenital contractural arachnodactyly. Last evaluated: 2025-12-22. Review status: criteria provided, single submitter. Criteria: Invitae Variant Classification Sherloc (09022015). Collection method: clinical testing. Allele origin: germline.

Ambry Genetics
Classification: Likely benign for Familial thoracic aortic aneurysm and aortic dissection. Last evaluated: 2025-09-11. Review status: criteria provided, single submitter. Criteria: Ambry Variant Classification Scheme 2023. Collection method: clinical testing. Allele origin: germline.

GeneDx
Classification: Uncertain significance. Last evaluated: 2021-06-17. Review status: criteria provided, single submitter. Criteria: GeneDx Variant Classification Process June 2021. Collection method: clinical testing. Allele origin: germline. Affected: yes.
Comment: Has not been previously published as pathogenic or benign to our knowledge; In silico analysis supports that this missense variant does not alter protein structure/function; Does not affect a cysteine residue within a calcium-binding EGF-like domain of the FBN2 gene; cysteine substitutions in the calcium-binding EGF-like domains represent the majority of pathogenic missense changes associated with FBN2-related disorders (Frederic et al., 2009).; This variant is associated with the following publications: (PMID: 26582918, 18767143, 27535533)

Literature cited by the submitters: PubMed 35982159 (cited by Ambry Genetics).